The following is an entry in ClinVar:

NM_000152.5(GAA):c.-32-2A>G

Gene: GAA (alpha glucosidase; plus strand). Cytogenetic location: 17q25.3.
Variant type: single nucleotide variant.
Coding change: c.-32-2A>G on transcript NM_000152.5 (MANE Select); the canonical splice acceptor site of the intron before 32 bases upstream of the start codon, A replaced by G.
Molecular consequence: splice acceptor variant.
Genome position (GRCh38, 1-based): chr17:80,104,553, A>G. VCF-style: chr17-80104553-A-G. GRCh37 (hg19) VCF-style: chr17-78078352-A-G.
Other names: c.-32-2A>G (NM_001406741.1, NM_001406742.1, NM_001079803.3 and 1 more transcripts).
Identifiers: ClinVar variation 972817 (VCV000972817.7), dbSNP rs1445232530, ClinGen allele CA628018630.

ClinVar aggregate classification (germline): Likely pathogenic. Review status: reviewed by expert panel (3 of 4 stars). 6 submissions from 6 submitters: Likely pathogenic (1). 5 of the submissions do not count toward it. Last evaluated 2026-09-15.

Conditions:
Glycogen storage disease, type II (IOPD). Also called: CARDIOMEGALIA GLYCOGENICA DIFFUSA; Glycogen storage disease type 2; Acid maltase deficiency disease; Aglucosidase alfa; Deficiency of alpha-glucosidase; Deficiency of lysosomal alpha-glucosidase. Identifiers: Orphanet 365, MedGen C0017921, MONDO:0009290, OMIM 232300.

Allele frequency attached by ClinVar (database versions not stated): gnomAD exomes below 0.00001.
gnomAD v4.1: 1 of 1,582,630 alleles (0.000063%); highest among the groups gnomAD compares: Non-Finnish European, 0.000086%; no homozygotes.

Submissions (6):

ClinGen Lysosomal Storage Disorder Variant Curation Expert Panel
Classification: Likely pathogenic for Glycogen storage disease, type II. Last evaluated: 2026-09-15. Review status: reviewed by expert panel. Criteria: clingen_lsd_acmg_specifications_v2-1. Collection method: curation. Allele origin: germline. Inheritance: Autosomal recessive inheritance.
Comment: The NM_000152.5:c.-32-2A>G variant alters the splice acceptor dinucleotide of intron 1 of GAA. A minigene assay showed lack of normal transcript (PMID: 31301153, 39905333) and RT-qPCR analysis showed that the variant results in a low level of normal splicing; <10% normal inclusion of exon 2 compared to wild type (PMID: 31301153). In comparison, the c.-32-13T>G variant (a well known pathogenic variant in GAA, pathogenic based on classification by the ClinGen LD VCEP) contains exon 2 (i.e. normal) in over 20% of transcripts. These results suggest that c.-32-2A>G has a more severe impact on splicing than c.-32-13T>G. Exon 2 contains the start methionine and encodes the lysosomal signal sequence for GAA. Thus, due to loss of a critical region (the signal sequence) in aberrantly splice transcripts, but with presence of some normal transcript (albeit at a lower level than a known pathogenic variant in the same splice region), PVS1 was applied at the strong level (PMID: 37352859) (PVS1_Strong). Of note, SpliceAI predicts loss of the acceptor splice site, as predicted, but also acceptor gain (score 0.79); if used, this site would result in loss of 8 nucleotides from the beginning of exon 2. One patient with a diagnosis of late onset Pompe disease, with limb girdle weakness and reported low GAA activity, has been reported. however, the data is insufficient to apply PP4. This patient is compound heterozygous for the variant and another variant in GAA that has been classified as pathogenic by the ClinGen LD VCEP, c.2481+102_ 2646del (aka c.2481+110_2646+39del; p.Gly828_ Asn882); the phase was unconfirmed (PMID: 23430493, 0.5 pt). (PM3_Supporting). The highest population minor allele frequency in gnomAD v4.1.0. is 8.608e-7 (1/1161654 alleles) in the European non-Finnish population, which is lower than the ClinGen Lysosomal Diseases VCEP’s threshold for PM2_Supporting (<0.001), meeting this criterion (PM2_Supporting). Other variants in the same splice region have been classified as pathogenic or likely pathogenic by the ClinGen LD VCEP, and have similar or less severe impact on splicing as shown by minigene assay including c.-32-13T>G and c.-32-3C>A (PMID: 31301153) (PS1_Supporting). In summary, this variant meets the criteria to be classified as likely pathogenic for Pompe disease. GAA-specific ACMG/AMP criteria applied, as specified by the ClinGen Lysosomal Diseases Variant Curation Expert Panel (Specifications Version 2.0.0): PVS1_Strong, PS1_Supporting, PM2_Supporting, PM3_Supporting (Classification approved by the ClinGen Lysosomal Diseases Variant Curation Expert Panel on September 15, 2026)

Genomenon, Inc
Classification: Pathogenic for Glycogen storage disease, type II. Last evaluated: 2026-07-01. Review status: criteria provided, single submitter. Criteria: Genomenon Sequence Variant Interpretation Standards - Updated. Collection method: curation. Allele origin: germline. Not counted in ClinVar's aggregate classification.
Comment: GAA c.-32-2A>G is a splice variant affecting the canonical acceptor splice site of intron 2. This variant has been reported in the compound heterozygous and/or homozygous state in an individual without a confirmed diagnosis of Pompe disease (PMID:18425781;23430493). At least one splicing study has demonstrated that this variant results in aberrant splicing (PMID:31301153). It is absent or not present at a significant frequency in gnomAD. In conclusion, we classify GAA c.-32-2A>G as a pathogenic variant.

Dasa
Classification: Pathogenic. Last evaluated: 2025-12-30. Review status: criteria provided, single submitter. Criteria: DASA Assertion Criteria. Collection method: clinical testing. Allele origin: germline. Not counted in ClinVar's aggregate classification.
Comment: NM_000152.5(GAA):c.-32-2A>G affects a canonical splice site and is predicted to disrupt normal RNA splicing, leading to loss of normal protein function. Loss-of-function is an established mechanism of disease for this gene. This variant has been recurrently observed in affected individuals with related phenotype in a genotype context consistent with recessive disease (PMID: 31301153; PMID: 23430493; PMID: 18425781). Functional evidence supports a deleterious effect on the gene or gene product (PMID: 31301153; PMID: 23430493; PMID: 18425781). The variant is present at low frequency in population datasets. Based on the available data, this variant is classified as pathogenic.

Fulgent Genetics
Classification: Likely pathogenic for Glycogen storage disease, type II. Last evaluated: 2024-04-24. Review status: criteria provided, single submitter. Criteria: ACMG Guidelines, 2015. Collection method: clinical testing. Allele origin: germline. Not counted in ClinVar's aggregate classification.

Women's Health and Genetics/Laboratory Corporation of America, LabCorp
Classification: Pathogenic for Glycogen storage disease, type II. Last evaluated: 2022-02-28. Review status: criteria provided, single submitter. Criteria: LabCorp Variant Classification Summary - May 2015. Collection method: clinical testing. Allele origin: germline. Not counted in ClinVar's aggregate classification.
Comment: Variant summary: GAA c.-32-2A>G is located in a canonical splice-site and is predicted to affect mRNA splicing resulting in a significantly altered protein due to either exon skipping, shortening, or inclusion of intronic material. Several computational tools predict a significant impact on normal splicing: Four predict the variant abolishes a canonical 3' prime acceptor site. Experimental evidence supports these predictions demonstrating the variant causes skipping of exon 2 (Goina_2019). The variant allele was found at a frequency of 4.3e-06 in 233126 control chromosomes (gnomAD). c.-32-2A>G has been reported in the literature in individuals affected with Glycogen Storage Disease, Type 2 (Pompe Disease) (examples: Kroos_2008 and Nino_2013). These data indicate that the variant is likely to be associated with disease. One clinical diagnostic laboratory has submitted clinical-significance assessments for this variant to ClinVar after 2014 and classified the variant as likely pathogenic. Based on the evidence outlined above, the variant was classified as pathogenic.

Broad Center for Mendelian Genomics, Broad Institute of MIT and Harvard
Classification: Likely pathogenic for Glycogen storage disease, type II. Last evaluated: 2020-01-22. Review status: criteria provided, single submitter. Criteria: ACMG Guidelines, 2015. Collection method: curation. Allele origin: germline. Inheritance: Autosomal recessive inheritance. Not counted in ClinVar's aggregate classification.
Comment: The c.-32-2A>G variant in GAA has been reported in 3 Colombian siblings with Glycogen Storage Disease II (PMID: 23430493) and has been identified in 0.001% (1/105716) of European (non-Finnish) chromosomes by the Genome Aggregation Database (gnomAD; dbSNP rs1445232530). Although this variant has been seen in the general population, its frequency is low enough to be consistent with a recessive carrier frequency. This variant occurs in the invariant region (+/- 1/2) of the splice consensus sequence and is predicted to cause altered splicing leading to an abnormal or absent protein. Loss of function of the GAA gene is an established disease mechanism in autosomal recessive glycogen storage disease. This variant has been seen in combination with a reported pathogenic variant, p.Gly828_Asn882del (Variation ID: 4031, PMID: 23430493, 7945303, 10737124), and in three individuals with Glycogen Storage Disease II (PMID: 23430493). In summary, although additional studies are required to fully establish its clinical significance, this variant is likely pathogenic. ACMG/AMP Criteria applied: PVS1, PM2 (Richards 2015).

Literature cited by the submitters: PubMed 18425781 (cited by 3 submitters); PubMed 23430493 (cited by 3 submitters); PubMed 31301153 (cited by 3 submitters).